The following is an entry in ClinVar:

NM_000018.4(ACADVL):c.499G>A (p.Val167Met)

Gene: ACADVL (acyl-CoA dehydrogenase very long chain; plus strand). Cytogenetic location: 17p13.1.
Variant type: single nucleotide variant.
Coding change: c.499G>A on transcript NM_000018.4 (MANE Select); coding-DNA position 499, G replaced by A.
Protein change: p.Val167Met; replaces valine 167 with methionine.
Molecular consequence: missense variant.
Genome position (GRCh38, 1-based): chr17:7,221,559, G>A. VCF-style: chr17-7221559-G-A. GRCh37 (hg19) VCF-style: chr17-7124878-G-A.
Other names: c.433G>A, p.Val145Met (NM_001033859.3); c.568G>A, p.Val190Met (NM_001270447.2); c.271G>A, p.Val91Met (NM_001270448.2); short protein forms V145M, V190M, V91M, V167M.
Identifiers: ClinVar variation 932863 (VCV000932863.5), dbSNP rs199991742, ClinGen allele CA8337748.

ClinVar aggregate classification (germline): Uncertain significance. Review status: criteria provided, multiple submitters, no conflicts (2 of 4 stars). 2 submissions from 2 submitters: Uncertain significance (2). Last evaluated 2024-11-30.

Conditions:
Very long chain acyl-CoA dehydrogenase deficiency (ACADVLD). Also called: Very Long-Chain Acyl-Coenzyme A Dehydrogenase Deficiency; VLCAD Deficiency. Identifiers: Orphanet 26793, MedGen C3887523, MONDO:0008723, OMIM 201475.

Allele frequency attached by ClinVar (database versions not stated): gnomAD 0.00002; gnomAD exomes 0.00002; ExAC 0.00003; TOPMed 0.00004.

Submissions (2):

Labcorp Genetics (formerly Invitae), Labcorp
Classification: Uncertain significance for Very long chain acyl-CoA dehydrogenase deficiency. Last evaluated: 2024-11-30. Review status: criteria provided, single submitter. Criteria: Invitae Variant Classification Sherloc (09022015). Collection method: clinical testing. Allele origin: germline.
Comment: This sequence change replaces valine, which is neutral and non-polar, with methionine, which is neutral and non-polar, at codon 167 of the ACADVL protein (p.Val167Met). This variant is present in population databases (rs199991742, gnomAD 0.004%). This variant has not been reported in the literature in individuals affected with ACADVL-related conditions. ClinVar contains an entry for this variant (Variation ID: 932863). Invitae Evidence Modeling of protein sequence and biophysical properties (such as structural, functional, and spatial information, amino acid conservation, physicochemical variation, residue mobility, and thermodynamic stability) indicates that this missense variant is not expected to disrupt ACADVL protein function with a negative predictive value of 80%. In summary, the available evidence is currently insufficient to determine the role of this variant in disease. Therefore, it has been classified as a Variant of Uncertain Significance.

Wong Mito Lab, Molecular and Human Genetics, Baylor College of Medicine
Classification: Uncertain significance for Very long chain acyl-CoA dehydrogenase deficiency. Last evaluated: 2019-11-01. Review status: criteria provided, single submitter. Criteria: ACMG Guidelines, 2015. Collection method: clinical testing. Allele origin: germline.
Comment: The NM_000018.3:c.499G>A (NP_000009.1:p.Val167Met) [GRCH38: NC_000017.11:g.7221559G>A] variant in ACADVL gene is interpretated to be Uncertain Significance based on ACMG guidelines (PMID: 25741868). This variant has been reported. This variant meets the following evidence codes reported in the ACMG guidelines: BP4